The following is an entry in ClinVar:

NM_000392.5(ABCC2):c.1321C>A (p.Leu441Met)

Gene: ABCC2 (ATP binding cassette subfamily C member 2; plus strand). Cytogenetic location: 10q24.2.
Variant type: single nucleotide variant.
Coding change: c.1321C>A on transcript NM_000392.5 (MANE Select); coding-DNA position 1321, C replaced by A.
Protein change: p.Leu441Met; replaces leucine 441 with methionine.
Molecular consequence: missense variant.
Genome position (GRCh38, 1-based): chr10:99,804,130, C>A. VCF-style: chr10-99804130-C-A. GRCh37 (hg19) VCF-style: chr10-101563887-C-A.
Other names: c.1321C>A, p.Leu441Met (LRG_1208t1); short protein forms L441M.
Identifiers: ClinVar variation 290860 (VCV000290860.9), dbSNP rs374787164, ClinGen allele CA10606924.

ClinVar aggregate classification (germline): Uncertain significance. Review status: criteria provided, multiple submitters, no conflicts (2 of 4 stars). 4 submissions from 4 submitters: Uncertain significance (4). Last evaluated 2025-03-18.

Allele frequency attached by ClinVar (database versions not stated): TOPMed 0.00001.

Submissions (4):

Labcorp Genetics (formerly Invitae), Labcorp
Classification: Uncertain significance. Last evaluated: 2025-03-18. Review status: criteria provided, single submitter. Criteria: Invitae Variant Classification Sherloc (09022015). Collection method: clinical testing. Allele origin: germline.
Comment: This sequence change replaces leucine, which is neutral and non-polar, with methionine, which is neutral and non-polar, at codon 441 of the ABCC2 protein (p.Leu441Met). This variant is present in population databases (rs374787164, gnomAD 0.006%). This missense change has been observed in individual(s) with ABCC2-related conditions (PMID: 16549534, 30366773). ClinVar contains an entry for this variant (Variation ID: 290860). Invitae Evidence Modeling of protein sequence and biophysical properties (such as structural, functional, and spatial information, amino acid conservation, physicochemical variation, residue mobility, and thermodynamic stability) indicates that this missense variant is not expected to disrupt ABCC2 protein function with a negative predictive value of 80%. In summary, the available evidence is currently insufficient to determine the role of this variant in disease. Therefore, it has been classified as a Variant of Uncertain Significance.

Women's Health and Genetics/Laboratory Corporation of America, LabCorp
Classification: Uncertain significance. Last evaluated: 2024-09-27. Review status: criteria provided, single submitter. Criteria: LabCorp Variant Classification Summary - May 2015. Collection method: clinical testing. Allele origin: germline.
Comment: Variant summary: ABCC2 c.1321C>A (p.Leu441Met) results in a conservative amino acid change located in the ABC transporter type 1, transmembrane domain (IPR011527) of the encoded protein sequence. Four of five in-silico tools predict a damaging effect of the variant on protein function. The variant allele was found at a frequency of 4e-06 in 251240 control chromosomes (gnomAD). c.1321C>A has been reported in the literature in individuals affected with Dubin-Johnson Syndrome (Lee_2006, Chen_2019). These data indicate that the variant may be associated with disease. To our knowledge, no experimental evidence demonstrating an impact on protein function has been reported. The following publications have been ascertained in the context of this evaluation (PMID: 30366773, 16549534, 23045960). ClinVar contains an entry for this variant (Variation ID: 290860). Based on the evidence outlined above, the variant was classified as VUS-possibly pathogenic.

Blueprint Genetics
Classification: Uncertain significance. Last evaluated: 2024-08-27. Review status: criteria provided, single submitter. Criteria: ACMG Guidelines, 2015. Collection method: clinical testing. Allele origin: germline.

Eurofins Ntd Llc (ga)
Classification: Uncertain significance. Last evaluated: 2018-03-22. Review status: criteria provided, single submitter. Criteria: EGL ClinVar v180209 classification definitions. Collection method: clinical testing. Allele origin: germline. Observed: 5 variant alleles, 5 heterozygotes.

Literature cited by the submitters: PubMed 16549534 (cited by Labcorp Genetics (formerly Invitae), Labcorp and Women's Health and Genetics/Laboratory Corporation of America, LabCorp); PubMed 30366773 (cited by Labcorp Genetics (formerly Invitae), Labcorp and Women's Health and Genetics/Laboratory Corporation of America, LabCorp); PubMed 23045960 (cited by Women's Health and Genetics/Laboratory Corporation of America, LabCorp).